The following is an entry in ClinVar:

ClinVar aggregate classification (germline): Uncertain significance (1 of 4 stars; one submission).

Conditions:
Hereditary breast ovarian cancer syndrome. Also called: Hereditary breast and ovarian cancer syndrome; Hereditary breast and ovarian cancer syndrome (HBOC); BRCA1- and BRCA2-Associated Hereditary Breast and Ovarian Cancer; Hereditary breast and ovarian cancer; Breast and ovarian cancer; Hereditary breast and/or ovarian cancer syndrome. Identifiers: Orphanet 145, MedGen C0677776, MeSH D061325, MONDO:0003582. Disease mechanism: loss of function.

Submission:

Labcorp Genetics (formerly Invitae), Labcorp
Classification: Uncertain significance for Hereditary breast ovarian cancer syndrome. Last evaluated: 2024-07-01. Review status: criteria provided, single submitter. Criteria: Invitae Variant Classification Sherloc (09022015). Collection method: clinical testing. Allele origin: germline.
Comment: This sequence change replaces cysteine, which is neutral and slightly polar, with arginine, which is basic and polar, at codon 1591 of the BRCA2 protein (p.Cys1591Arg). This variant is present in population databases (rs781130788, gnomAD 0.0009%). This variant has not been reported in the literature in individuals affected with BRCA2-related conditions. Advanced modeling of protein sequence and biophysical properties (such as structural, functional, and spatial information, amino acid conservation, physicochemical variation, residue mobility, and thermodynamic stability) performed at Invitae indicates that this missense variant is not expected to disrupt BRCA2 protein function with a negative predictive value of 95%. In summary, the available evidence is currently insufficient to determine the role of this variant in disease. Therefore, it has been classified as a Variant of Uncertain Significance.

NM_000059.4(BRCA2):c.4771T>C (p.Cys1591Arg)

Gene: BRCA2 (BRCA2 DNA repair associated; plus strand). Cytogenetic location: 13q13.1.
Variant type: single nucleotide variant.
Coding change: c.4771T>C on transcript NM_000059.4 (MANE Select); coding-DNA position 4771, T replaced by C.
Protein change: p.Cys1591Arg; replaces cysteine 1591 with arginine.
Molecular consequence: missense variant. On other transcripts: non-coding transcript variant (1), intron variant (2).
Genome position (GRCh38, 1-based): chr13:32,339,126, T>C. VCF-style: chr13-32339126-T-C. GRCh37 (hg19) VCF-style: chr13-32913263-T-C.
Other names: c.4771T>C, p.Cys1591Arg (NM_001406719.1, NM_001406720.1, NM_001432077.1); c.1910-5432T>C (NM_001406721.1); c.425-5432T>C (NM_001406722.1); short protein forms C1591R.
Identifiers: ClinVar variation 3636483 (VCV003636483.2).